The following is an entry in ClinVar:

NM_000463.3(UGT1A1):c.1084G>A (p.Gly362Ser)

Genes: UGT1A6 (UDP glucuronosyltransferase family 1 member A6; plus strand), UGT1A7 (UDP glucuronosyltransferase family 1 member A7; plus strand), UGT1A8 (UDP glucuronosyltransferase family 1 member A8; plus strand), UGT1A9 (UDP glucuronosyltransferase family 1 member A9; plus strand), UGT1A4 (UDP glucuronosyltransferase family 1 member A4; plus strand) and 5 more. Cytogenetic location: 2q37.1.
Variant type: single nucleotide variant.
Coding change: c.1084G>A on transcript NM_000463.3 (MANE Select); coding-DNA position 1084, G replaced by A.
Protein change: p.Gly362Ser; replaces glycine 362 with serine.
Molecular consequence: missense variant.
Genome position (GRCh38, 1-based): chr2:233,767,936, G>A. VCF-style: chr2-233767936-G-A. GRCh37 (hg19) VCF-style: chr2-234676582-G-A.
Other names: c.1075G>A, p.Gly359Ser (NM_019075.4, NM_019076.5, NM_019077.3 and 1 more transcripts); c.1081G>A, p.Gly361Ser (NM_001072.4); c.280G>A, p.Gly94Ser (NM_205862.3); c.1087G>A, p.Gly363Ser (NM_019078.2, NM_007120.3, NM_019093.4); short protein forms G362S, G359S, G363S, G94S, G361S.
Identifiers: ClinVar variation 420162 (VCV000420162.13), dbSNP rs755218546, ClinGen allele CA2179986.

ClinVar aggregate classification (germline): Conflicting classifications of pathogenicity. Review status: criteria provided, conflicting classifications (1 of 4 stars). 6 submissions from 5 submitters: Pathogenic (4); Likely pathogenic (1); Uncertain significance (1). Last evaluated 2026-01-26.

Conditions:
UGT1A1-related disorder. Also called: UGT1A1-related disorders; UGT1A1-related condition.
Crigler-Najjar syndrome type 1. Also called: HYPERBILIRUBINEMIA, CRIGLER-NAJJAR TYPE I. Identifiers: Orphanet 79234, MedGen C0010324, MONDO:0021020, OMIM 218800.
BILIRUBIN, SERUM LEVEL OF, QUANTITATIVE TRAIT LOCUS 1 (BILIQTL1). Identifiers: MedGen C1866173, OMIM 601816.
Lucey-Driscoll syndrome (HBLRTFN). Also called: Transient familial neonatal hyperbilirubinemia. Identifiers: Orphanet 2312, MedGen C0270210, MONDO:0009383, OMIM 237900.
Crigler-Najjar syndrome, type II. Also called: Crigler Najjar syndrome, type 2; Mutation in the UDP-glucuronosyl-transferase gene; HYPERBILIRUBINEMIA, CRIGLER-NAJJAR TYPE II. Identifiers: Orphanet 205, Orphanet 79235, MedGen C2931132, MONDO:0011725, OMIM 606785.
Gilbert syndrome. Also called: HYPERBILIRUBINEMIA I; HYPERBILIRUBINEMIA, ARIAS TYPE; HYPERBILIRUBINEMIA, GILBERT TYPE; Gilbert's syndrome; Gilbert Disease. Identifiers: MedGen C0017551, MONDO:0007745, OMIM 143500.

Allele frequency attached by ClinVar (database versions not stated): gnomAD below 0.00001 and 0.00002; TOPMed 0.00001; gnomAD exomes 0.00002 and 0.00004; ExAC 0.00005.
gnomAD v4.1: 38 of 1,614,052 alleles (0.0024%); highest among the groups gnomAD compares: South Asian, 0.042%; no homozygotes.

Submissions (6):

PreventionGenetics, part of Exact Sciences
Classification: Pathogenic for UGT1A1-related condition. Last evaluated: 2026-01-26. Review status: criteria provided, single submitter. Criteria: ACMG Guidelines, 2015. Collection method: clinical testing. Allele origin: germline.
Comment: The UGT1A1 c.1084G>A variant is predicted to result in the amino acid substitution p.Gly362Ser. This variant has been reported in the homozygous state in individuals with Crigler-Najjar syndrome or unconjugated hyperbilirubinemia (Gupta et al. 2015. PubMed ID: 26716871; Aggarwal et al. 2009. PubMed ID: 19953640). This variant is located within the last base of exon 3 and is predicted to alter splicing based on available splicing prediction programs (SpliceAI, Jaganathan et al. 2019. PubMed ID: 30661751). In addition, a minigene reporter assay showed that this variant impacts splicing and results in a frameshift and premature protein termination (Figure 4, Gupta et al. 2015. PubMed ID: 26716871). This variant is reported in 0.033% of alleles in individuals of South Asian descent in gnomAD. This variant is interpreted as pathogenic.

Fulgent Genetics
Classification: Likely pathogenic for Gilbert syndrome; Crigler-Najjar syndrome type 1; Lucey-Driscoll syndrome; BILIRUBIN, SERUM LEVEL OF, QUANTITATIVE TRAIT LOCUS 1; Crigler-Najjar syndrome, type II. Last evaluated: 2024-06-23. Review status: criteria provided, single submitter. Criteria: ACMG Guidelines, 2015. Collection method: clinical testing. Allele origin: germline.

Neuberg Centre For Genomic Medicine, NCGM
Classification: Pathogenic for Crigler-Najjar syndrome, type II. Last evaluated: 2023-06-02. Review status: criteria provided, single submitter. Criteria: ACMG Guidelines, 2015. Collection method: clinical testing. Allele origin: germline. Inheritance: Autosomal recessive inheritance. Affected: yes.
Comment: The missense / splice region c.1084G>A(p.Gly362Ser) variant in UGT1A1 gene has been reported previously in homozygous state in individual(s) affected with Crigler-Najjar syndrome 2 (CNS2) (Gupta et al., 2015). This variant is reported with the allele frequency of 0.004% in the gnomAD Exomes and novel in 1000 Genomes. This variant has been reported to the ClinVar database with varying interpretation: Pathogenic / Uncertain Significance. The amino acid Gly at position 362 is changed to a Ser changing protein sequence and it might alter its composition and physico-chemical properties. The amino acid change p.Gly362Ser in UGT1A1 is predicted as conserved by GERP++ and PhyloP across 100 vertebrates. In vitro studies of this variant using a pCAS2 splicing minigene reporter assay indicate that the c.1084 G>A variant abolishes the natural splice donor site, leading to the creation of a cryptic splice site and a frameshift deletion of 31 nucleotides from the 3-prime end of exon 3, which forms a premature stop codon at position 3 of the new reading frame (Gupta et al., 2015). For these reasons, this variant has been classified as Pathogenic.

Eurofins Ntd Llc (ga)
Classification: Uncertain significance. Last evaluated: 2017-11-01. Review status: criteria provided, single submitter. Criteria: EGL Classification Definitions 2015. Collection method: clinical testing. Allele origin: germline. Observed: 2 variant alleles, 2 homozygotes.

GeneDx
Classification: Pathogenic. Last evaluated: 2017-03-21. Review status: criteria provided, single submitter. Criteria: GeneDx Variant Classification (06012015). Collection method: clinical testing. Allele origin: germline. Affected: yes.
Comment: The c.1084 G>A variant in the UGT1A1 gene has been reported previously in the homozygous state and in the heterozygous state with a second variant in the promotor region in patients with unconjugated hyperbilirubinemia (Aggarwal et al., 2010; Gupta et al., 2015). The c.1084 G>A variant is not observed at a significant frequency in large population cohorts (Lek et al., 2016; 1000 Genomes Consortium et al., 2015; Exome Variant Server). In vitro studies of this variant using a pCAS2 splicing minigene reporter assay indicate that the c.1084 G>A variant abolishes the natural splice donor site, leading to the creation of a cryptic splice site and a frameshift deletion of 31 nucleotides from the 3-prime end of exon 3, which forms a premature stop codon at position 3 of the new reading frame (Gupta et al., 2015). If c.1084 G>A does not alter splicing, it will result in the G362S missense change. The G362S variant is a non-conservative amino acid substitution, which is likely to impact secondary protein structure as these residues differ in polarity, charge, size and/or other properties. This substitution occurs at a position that is conserved across species, and in silico analysis predicts this variant is probably damaging to the protein structure/function. We interpret c.1084 G>A as a pathogenic variant.

Neuberg Centre For Genomic Medicine, NCGM
Classification: Pathogenic for Crigler-Najjar syndrome type 1. Review status: criteria provided, single submitter. Criteria: ACMG Guidelines, 2015. Collection method: clinical testing. Allele origin: germline. Inheritance: Autosomal recessive inheritance. Affected: yes.
Comment: The missense/ splice region c.1084G>A p.Gly362Ser variant in the UGT1A1 gene has been reported previously in a homozygous state in individuals affected with Crigler-Najjar syndrome 2 CNS2. In vitro studies of this variant using a pCAS2 splicing minigene reporter assay indicate that the c.1084 G>A variant abolishes the natural splice donor site, leading to the creation of a cryptic splice site and a frameshift deletion of 31 nucleotides from the 3-prime end of exon 3, which forms a premature stop codon at position 3 of the new reading frame Gupta et al., 2015. This variant is reported with an allele frequency of 0.004% in the gnomAD Exomes and novel in 1000 Genomes. This variant has been reported to the ClinVar database with varying interpretations: Pathogenic / Uncertain Significance. The amino acid Glycine at position 362 is changed to a Serine changing protein sequence and it might alter its composition and physico-chemical properties. The amino acid change p.Gly362Ser in UGT1A1 is predicted as conserved by GERP++ and PhyloP across 100 vertebrates. For these reasons, this variant has been classified as Pathogenic.

Literature cited by the submitters: PubMed 26716871 (cited by Eurofins Ntd Llc (ga)).